The following is an entry in ClinVar:

NM_033026.6(PCLO):c.7531G>A (p.Ala2511Thr)

Gene: PCLO (piccolo presynaptic cytomatrix protein; minus strand). Cytogenetic location: 7q21.11.
Variant type: single nucleotide variant.
Coding change: c.7531G>A on transcript NM_033026.6 (MANE Select); coding-DNA position 7531, G replaced by A.
Protein change: p.Ala2511Thr; replaces alanine 2511 with threonine.
Molecular consequence: missense variant.
Genome position (GRCh38, 1-based): chr7:82,953,422, C>T on the plus strand (G>A on the coding strand, the complement: PCLO is on the minus strand). VCF-style: chr7-82953422-C-T. GRCh37 (hg19) VCF-style: chr7-82582738-C-T.
Other names: c.7531G>A, p.Ala2511Thr (NM_014510.3); short protein forms A2511T.
Identifiers: ClinVar variation 1408040 (VCV001408040.5), dbSNP rs773045757, ClinGen allele CA4320284.

ClinVar aggregate classification (germline): Uncertain significance (1 of 4 stars; one submission).

Allele frequency attached by ClinVar (database versions not stated): gnomAD 0.00001; ExAC 0.00002; gnomAD exomes 0.00002.
gnomAD v4.1: 14 of 1,612,812 alleles (0.00087%); highest among the groups gnomAD compares: Middle Eastern, 0.016%; no homozygotes.

Submission:

Labcorp Genetics (formerly Invitae), Labcorp
Classification: Uncertain significance. Last evaluated: 2021-09-01. Review status: criteria provided, single submitter. Criteria: Invitae Variant Classification Sherloc (09022015). Collection method: clinical testing. Allele origin: germline.
Comment: This sequence change replaces alanine with threonine at codon 2511 of the PCLO protein (p.Ala2511Thr). The alanine residue is moderately conserved and there is a small physicochemical difference between alanine and threonine. This variant is present in population databases (rs773045757, ExAC 0.004%). This variant has not been reported in the literature in individuals affected with PCLO-related conditions. Algorithms developed to predict the effect of missense changes on protein structure and function are either unavailable or do not agree on the potential impact of this missense change (SIFT: "Tolerated"; PolyPhen-2: "Not Available"; Align-GVGD: "Class C0"). In summary, the available evidence is currently insufficient to determine the role of this variant in disease. Therefore, it has been classified as a Variant of Uncertain Significance.